The following is an entry in ClinVar:

ClinVar aggregate classification (germline): Uncertain significance. Review status: criteria provided, multiple submitters, no conflicts (2 of 4 stars). 3 submissions from 3 submitters: Uncertain significance (2). 1 of the submissions does not count toward it. Last evaluated 2024-10-23.

Conditions:
Retinal dystrophy. Also called: Inherited retinal dystrophy. Identifiers: Orphanet 71862, MedGen C0854723, MeSH D058499, MONDO:0019118, HP:0000556.
Inborn genetic diseases. Identifiers: MedGen C0950123, MeSH D030342.

Allele frequency attached by ClinVar (database versions not stated): TOPMed below 0.00001; ExAC 0.00002.
gnomAD v4.1: 11 of 1,614,014 alleles (0.00068%); highest among the groups gnomAD compares: East Asian, 0.0067%; no homozygotes.

Submissions (3):

Labcorp Genetics (formerly Invitae), Labcorp
Classification: Uncertain significance. Last evaluated: 2024-10-23. Review status: criteria provided, single submitter. Criteria: Invitae Variant Classification Sherloc (09022015). Collection method: clinical testing. Allele origin: germline.
Comment: This sequence change replaces serine, which is neutral and polar, with leucine, which is neutral and non-polar, at codon 839 of the IMPG2 protein (p.Ser839Leu). This variant is present in population databases (rs752737916, gnomAD 0.01%). This variant has not been reported in the literature in individuals affected with IMPG2-related conditions. ClinVar contains an entry for this variant (Variation ID: 1939763). Invitae Evidence Modeling of protein sequence and biophysical properties (such as structural, functional, and spatial information, amino acid conservation, physicochemical variation, residue mobility, and thermodynamic stability) indicates that this missense variant is expected to disrupt IMPG2 protein function with a positive predictive value of 80%. In summary, the available evidence is currently insufficient to determine the role of this variant in disease. Therefore, it has been classified as a Variant of Uncertain Significance.

Ambry Genetics
Classification: Uncertain significance for Inborn genetic diseases. Last evaluated: 2024-02-26. Review status: criteria provided, single submitter. Criteria: Ambry Variant Classification Scheme 2023. Collection method: clinical testing. Allele origin: germline.

Institute of Human Genetics, Univ. Regensburg, Univ. Regensburg
Classification: Uncertain significance for Retinal dystrophy. Last evaluated: 2023-01-01. Review status: no assertion criteria provided. Criteria: ACMG Guidelines, 2015. Collection method: clinical testing. Allele origin: germline. Affected: yes. Not counted in ClinVar's aggregate classification.

NM_016247.4(IMPG2):c.2516C>T (p.Ser839Leu)

Gene: IMPG2 (interphotoreceptor matrix proteoglycan 2; minus strand). Cytogenetic location: 3q12.3.
Variant type: single nucleotide variant.
Coding change: c.2516C>T on transcript NM_016247.4 (MANE Select); coding-DNA position 2516, C replaced by T.
Protein change: p.Ser839Leu; replaces serine 839 with leucine.
Molecular consequence: missense variant.
Genome position (GRCh38, 1-based): chr3:101,243,815, G>A on the plus strand (C>T on the coding strand, the complement: IMPG2 is on the minus strand). VCF-style: chr3-101243815-G-A. GRCh37 (hg19) VCF-style: chr3-100962659-G-A.
Other names: c.2516C>T (NM_016247.3); short protein forms S839L.
Identifiers: ClinVar variation 1939763 (VCV001939763.7), dbSNP rs752737916, ClinGen allele CA2518961.